The following is an entry in ClinVar:

NM_001931.5(DLAT):c.506+12G>A

Gene: DLAT (dihydrolipoamide S-acetyltransferase; plus strand). Cytogenetic location: 11q23.1.
Variant type: single nucleotide variant.
Coding change: c.506+12G>A on transcript NM_001931.5 (MANE Select); 12 bases into the intron after coding-DNA position 506, G replaced by A.
Molecular consequence: intron variant.
Genome position (GRCh38, 1-based): chr11:112,028,651, G>A. VCF-style: chr11-112028651-G-A. GRCh37 (hg19) VCF-style: chr11-111899375-G-A.
Other names: c.44+8G>A (NM_001372042.1); c.506+12G>A (NM_001372031.1, NM_001372033.1, NM_001372035.1 and 3 more transcripts); c.381+2352G>A (NM_001372038.1); c.364+2369G>A (NM_001372040.1); c.473+12G>A (NM_001372034.1); c.380+12G>A (NM_001372036.1); c.338+12G>A (NM_001372037.1).
Identifiers: ClinVar variation 302453 (VCV000302453.8), dbSNP rs372355218, ClinGen allele CA6276679.
Genomic context (GRCh38, chr11:112,028,651, plus strand): 5'-GTACCAGGGATGTTCCCATCGGAGCGATCATCTGTATCACAGTTGGCAAGTGAGTAGTGC[G>A]CTCATAATTTGTGGAACTTCATTGCTTGGTGGAGTATTTTACCCAGAATTGAGAATTAGG-3'

ClinVar aggregate classification (germline): Likely benign. Review status: criteria provided, multiple submitters, no conflicts (2 of 4 stars). 2 submissions from 2 submitters: Likely benign (2). Last evaluated 2025-06-12.

Conditions:
Pyruvate dehydrogenase E2 deficiency (PDHDD). Also called: Dihydrolipoamide Acetyltransferase (E2) Deficiency; LACTIC ACIDEMIA DUE TO DEFECT OF E2 LIPOYL TRANSACETYLASE OF THE PYRUVATE DEHYDROGENASE COMPLEX. Identifiers: Orphanet 765, Orphanet 79244, MedGen C1855565, MONDO:0009502, OMIM 245348.

Allele frequency attached by ClinVar (database versions not stated): ExAC 0.00002; gnomAD exomes 0.00003; gnomAD 0.00006 and 0.00007; TOPMed 0.00008; ESP Exome Variant Server 0.00038.
gnomAD v4.1: 75 of 1,613,998 alleles (0.0046%); highest among the groups gnomAD compares: African/African-American, 0.012%; no homozygotes.

Submissions (2):

Labcorp Genetics (formerly Invitae), Labcorp
Classification: Likely benign for Pyruvate dehydrogenase E2 deficiency. Last evaluated: 2025-06-12. Review status: criteria provided, single submitter. Criteria: Invitae Variant Classification Sherloc (09022015). Collection method: clinical testing. Allele origin: germline.

GeneDx
Classification: Likely benign. Last evaluated: 2016-09-02. Review status: criteria provided, single submitter. Criteria: GeneDx Variant Classification (06012015). Collection method: clinical testing. Allele origin: germline. Affected: yes.
Comment: This variant is considered likely benign or benign based on one or more of the following criteria: it is a conservative change, it occurs at a poorly conserved position in the protein, it is predicted to be benign by multiple in silico algorithms, and/or has population frequency not consistent with disease.